The following is an entry in ClinVar:

NM_000277.3(PAH):c.890G>T (p.Arg297Leu)

Genes: PAH (phenylalanine hydroxylase; minus strand), LOC126861615 (CDK7 strongly-dependent group 2 enhancer GRCh37_chr12:103244689-103245888; plus strand). Cytogenetic location: 12q23.2.
Variant type: single nucleotide variant.
Coding change: c.890G>T on transcript NM_000277.3 (MANE Select); coding-DNA position 890, G replaced by T.
Protein change: p.Arg297Leu; replaces arginine 297 with leucine.
Molecular consequence: missense variant.
Genome position (GRCh38, 1-based): chr12:102,851,709, C>A on the plus strand (G>T on the coding strand, the complement: PAH is on the minus strand). VCF-style: chr12-102851709-C-A. GRCh37 (hg19) VCF-style: chr12-103245487-C-A.
Other names: c.890G>T, p.Arg297Leu (NM_001354304.2); short protein forms R297L.
Identifiers: ClinVar variation 805823 (VCV000805823.8), dbSNP rs62642939, ClinGen allele CA16020886.
Genomic context (GRCh38, chr12:102,851,709, plus strand): 5'-AGACCTATAACTAGAAGGCTAAAAAATCCATTCCTTACCTGGGAAAACTGGGCAAAGCTG[C>A]GATCTGAAAACAAGGGCACATGTCCCAACAGCTCATGGCAGATGTCACTGAAAGACAGAA-3'
Protein context (NP_000268.1, residues 287-307): LLGHVPLFSD[Arg297Leu]SFAQFSQEIG

ClinVar aggregate classification (germline): Likely pathogenic. Review status: reviewed by expert panel (3 of 4 stars). 3 submissions from 3 submitters: Likely pathogenic (1). 2 of the submissions do not count toward it. Last evaluated 2019-07-07.

Conditions:
Phenylketonuria (PKU). Also called: FOLLING DISEASE; Phenylketonuria (PKU); OLIGOPHRENIA PHENYLPYRUVICA; Phenylketonurias. Identifiers: Orphanet 716, MedGen C0031485, MONDO:0009861, OMIM 261600. Disease mechanism: loss of function.

Submissions (3):

ClinGen PAH Variant Curation Expert Panel
Classification: Likely pathogenic for Phenylketonuria. Last evaluated: 2019-07-07. Review status: reviewed by expert panel. Criteria: ClinGen PAH ACMG Specifications v1. Collection method: curation. Allele origin: germline. Inheritance: Autosomal recessive inheritance.
Comment: The c.890G>T (p.Arg297Leu) variant in PAH has been reported in at least 1 patient with mild PKU who carried in trans the nonsense variant R243X (BH4 deficiency was not excluded) (PMID: 17096675). This variant is absent from the gnomAD and ESP population databases. Biochemical assays demonstrate a loss of ~50% enzyme activity (PMID: 18346471 & 21820508). Other amino acid changes at this codon have been reported. Overall, this variant meets criteria to be classified as likely pathogenic for PAH. PAH-specific ACMG/AMP criteria applied: PM2, PM3, PS3.

Women's Health and Genetics/Laboratory Corporation of America, LabCorp
Classification: Likely pathogenic for Phenylketonuria. Last evaluated: 2023-12-11. Review status: criteria provided, single submitter. Criteria: LabCorp Variant Classification Summary - May 2015. Collection method: clinical testing. Allele origin: germline. Not counted in ClinVar's aggregate classification.
Comment: Variant summary: PAH c.890G>T (p.Arg297Leu) results in a non-conservative amino acid change located in the Aromatic amino acid hydroxylase, C-terminal domain (IPR019774) of the encoded protein sequence. Four of five in-silico tools predict a damaging effect of the variant on protein function. The variant was absent in 251036 control chromosomes (gnomAD). c.890G>T has been reported in the literature in at least one individual affected with Phenylalanine Hydroxylase Deficiency (Phenylketonuria) (Daniele_2006). In addition, other amino acid changes (R297H, R297C) at this codon have been found in patients with Phenylketonuria (Hillert_2020). These data indicate that the variant is likely to be associated with disease. Functional studies reported experimental evidence evaluating an impact on protein function and this variant effect results in 30%-50% of normal activity (Daniele_2008, Cerreto_2011). The following publications have been ascertained in the context of this evaluation (PMID: 21820508, 17096675, 18346471, 30275481, 32668217). Two submitters, including one expert panel (ClinGen PAH Variant Curation Expert Panel), have cited clinical-significance assessments for this variant to ClinVar after 2014 and classified the variant as likely pathogenic. Based on the evidence outlined above, the variant was classified as likely pathogenic.

Labcorp Genetics (formerly Invitae), Labcorp
Classification: Likely pathogenic for Phenylketonuria. Last evaluated: 2021-04-30. Review status: criteria provided, single submitter. Criteria: Invitae Variant Classification Sherloc (09022015). Collection method: clinical testing. Allele origin: germline. Not counted in ClinVar's aggregate classification.
Comment: This sequence change replaces arginine with leucine at codon 297 of the PAH protein (p.Arg297Leu). The arginine residue is weakly conserved and there is a moderate physicochemical difference between arginine and leucine. In summary, the currently available evidence indicates that the variant is pathogenic, but additional data are needed to prove that conclusively. Therefore, this variant has been classified as Likely Pathogenic. This variant disrupts the p.Arg297 amino acid residue in PAH. Other variant(s) that disrupt this residue have been determined to be pathogenic (PMID: 8807331, 27121329, 23357515, 10234516, 21307867, 9298832, 25596310). This suggests that this residue is clinically significant, and that variants that disrupt this residue are likely to be disease-causing. Advanced modeling of protein sequence and biophysical properties (such as structural, functional, and spatial information, amino acid conservation, physicochemical variation, residue mobility, and thermodynamic stability) performed at Invitae indicates that this missense variant is expected to disrupt PAH protein function. This variant has been observed in individual(s) with hyperphenylalaninemia (PMID: 17096675). ClinVar contains an entry for this variant (Variation ID: 805823). This variant is not present in population databases (ExAC no frequency).

Literature cited by the submitters: PubMed 21820508 (cited by ClinGen PAH Variant Curation Expert Panel and Women's Health and Genetics/Laboratory Corporation of America, LabCorp); PubMed 18346471 (cited by ClinGen PAH Variant Curation Expert Panel and Women's Health and Genetics/Laboratory Corporation of America, LabCorp); PubMed 17096675 (cited by Women's Health and Genetics/Laboratory Corporation of America, LabCorp and Labcorp Genetics (formerly Invitae), Labcorp); PubMed 30275481 (cited by Women's Health and Genetics/Laboratory Corporation of America, LabCorp); PubMed 32668217 (cited by Women's Health and Genetics/Laboratory Corporation of America, LabCorp); PubMed 8807331 (cited by Labcorp Genetics (formerly Invitae), Labcorp); PubMed 27121329 (cited by Labcorp Genetics (formerly Invitae), Labcorp); PubMed 23357515 (cited by Labcorp Genetics (formerly Invitae), Labcorp); PubMed 10234516 (cited by Labcorp Genetics (formerly Invitae), Labcorp); PubMed 21307867 (cited by Labcorp Genetics (formerly Invitae), Labcorp); PubMed 9298832 (cited by Labcorp Genetics (formerly Invitae), Labcorp); PubMed 25596310 (cited by Labcorp Genetics (formerly Invitae), Labcorp).